The following is an entry in ClinVar:

NM_080425.4(GNAS):c.1797C>A (p.Arg599=)

Gene: GNAS (GNAS complex locus; plus strand). Cytogenetic location: 20q13.32.
Variant type: single nucleotide variant.
Coding change: c.1797C>A on transcript NM_080425.4 (MANE Plus Clinical); coding-DNA position 1797, C replaced by A.
Protein change: p.Arg599=; no amino-acid change (arginine 599 retained).
Molecular consequence: synonymous variant. On other transcripts: missense variant (2), intron variant (3).
Genome position (GRCh38, 1-based): chr20:58,855,062, C>A. VCF-style: chr20-58855062-C-A. GRCh37 (hg19) VCF-style: chr20-57430117-C-A.
Other names: c.1610C>A, p.Ala537Asp (NM_001309883.1, NM_001077490.3); c.1797C>A, p.Arg599= (NM_001410913.1); c.*42+14176C>A (NM_016592.5); c.43+14176C>A (NM_001410912.1); c.-39+13187C>A (NM_001309861.2); short protein forms A537D.
Identifiers: ClinVar variation 3350773 (VCV003350773.2).

ClinVar aggregate classification (germline): Uncertain significance. Review status: criteria provided, single submitter (1 of 4 stars). 2 submissions from 2 submitters: Uncertain significance (1). 1 of the submissions does not count toward it. Last evaluated 2026-04-24.

Conditions:
GNAS-related disorder. Identifiers: MedGen CN380105.

gnomAD v4.1: 15 of 1,613,062 alleles (0.00093%); highest among the groups gnomAD compares: African/African-American, 0.0027%; no homozygotes.

Submissions (2):

GeneDx
Classification: Uncertain significance. Last evaluated: 2026-04-24. Review status: criteria provided, single submitter. Criteria: GeneDx Variant Classification Process June 2021. Collection method: clinical testing. Allele origin: germline.
Comment: In silico analysis suggests that this missense variant does not alter protein structure/function; Has not been previously published as pathogenic or benign to our knowledge; Reported using an alternate transcript of the gene

PreventionGenetics, part of Exact Sciences
Classification: Uncertain significance for GNAS-related condition. Last evaluated: 2024-09-10. Review status: no assertion criteria provided. Collection method: clinical testing. Allele origin: germline. Not counted in ClinVar's aggregate classification.
Comment: The GNAS c.1610C>A variant is predicted to result in the amino acid substitution p.Ala537Asp. To our knowledge, this variant has not been reported in the literature. This variant is reported in 0.0065% of alleles in individuals of African descent in gnomAD. At this time, the clinical significance of this variant is uncertain due to the absence of conclusive functional and genetic evidence.